The following is an entry in ClinVar:

ClinVar aggregate classification (germline): Benign/Likely benign. Review status: criteria provided, multiple submitters, no conflicts (2 of 4 stars). 3 submissions from 3 submitters: Benign (2); Likely benign (1). Last evaluated 2021-05-11.

Conditions:
Hypohidrotic ectodermal dysplasia (HED). Identifiers: Orphanet 238468, MedGen C5848103, MONDO:0016535, HP:0007607.

Allele frequency attached by ClinVar (database versions not stated): gnomAD exomes 0.03966; gnomAD 0.04569 and 0.04584; 1000 Genomes Project 0.05451; TOPMed 0.05043; 1000 Genomes Project 30x 0.05543.
gnomAD v4.1: 39,631 of 973,486 alleles (4.1%); highest among the groups gnomAD compares: Admixed American, 7.4%; 1,060 homozygotes.

Submissions (3):

GeneDx
Classification: Benign. Last evaluated: 2021-05-11. Review status: criteria provided, single submitter. Criteria: GeneDx Variant Classification Process June 2021. Collection method: clinical testing. Allele origin: germline. Affected: yes.

Illumina Laboratory Services, Illumina
Classification: Benign for Hypohidrotic ectodermal dysplasia. Last evaluated: 2018-01-12. Review status: criteria provided, single submitter. Criteria: ICSL Variant Classification Criteria 13 December 2019. Collection method: clinical testing. Allele origin: germline.
Comment: This variant was observed in the ICSL laboratory as part of a predisposition screen in an ostensibly healthy population. It had not been previously curated by ICSL or reported in the Human Gene Mutation Database (HGMD: prior to June 1st, 2018), and was therefore a candidate for classification through an automated scoring system. Utilizing variant allele frequency, disease prevalence and penetrance estimates, and inheritance mode, an automated score was calculated to assess if this variant is too frequent to cause the disease. Based on the score and internal cut-off values, a variant classified as benign is not then subjected to further curation. The score for this variant resulted in a classification of benign for this disease.

Breakthrough Genomics
Classification: Likely benign. Review status: criteria provided, single submitter. Criteria: ACMG Guidelines, 2015. Collection method: not provided. Allele origin: germline. Inheritance: Autosomal recessive inheritance. Affected: yes.

NM_145861.4(EDARADD):c.*1593G>T

Gene: EDARADD (EDAR associated via death domain; plus strand). Cytogenetic location: 1q43.
Variant type: single nucleotide variant.
Coding change: c.*1593G>T on transcript NM_145861.4 (MANE Select); 1593 bases downstream of the stop codon, G replaced by T.
Molecular consequence: 3 prime UTR variant.
Genome position (GRCh38, 1-based): chr1:236,484,242, G>T. VCF-style: chr1-236484242-G-T. GRCh37 (hg19) VCF-style: chr1-236647542-G-T.
Other names: c.*1593G>T (NM_001422628.1, NM_080738.5).
Identifiers: ClinVar variation 296477 (VCV000296477.9), dbSNP rs61736989, ClinGen allele CA10609589.